The following is an entry in ClinVar:

NM_001112704.2(VAX1):c.678C>T (p.Ala226=)

Gene: VAX1 (ventral anterior homeobox 1; minus strand). Cytogenetic location: 10q25.3.
Variant type: single nucleotide variant.
Coding change: c.678C>T on transcript NM_001112704.2 (MANE Select); coding-DNA position 678, C replaced by T.
Protein change: p.Ala226=; no amino-acid change (alanine 226 retained).
Molecular consequence: synonymous variant. On other transcripts: intron variant (1).
Genome position (GRCh38, 1-based): chr10:117,134,335, G>A on the plus strand (C>T on the coding strand, the complement: VAX1 is on the minus strand). VCF-style: chr10-117134335-G-A. GRCh37 (hg19) VCF-style: chr10-118893846-G-A.
Other names: c.430-1858C>T (NM_199131.3).
Identifiers: ClinVar variation 707045 (VCV000707045.11), dbSNP rs534482978, ClinGen allele CA214972237.

ClinVar aggregate classification (germline): Likely benign. Review status: criteria provided, single submitter (1 of 4 stars). 2 submissions from 2 submitters: Likely benign (1). 1 of the submissions does not count toward it. Last evaluated 2025-02-14.

Conditions:
VAX1-related disorder. Also called: VAX1-related condition.
Microphthalmia, syndromic 11 (MCOPS11). Identifiers: MedGen C3553077, MONDO:0013734, OMIM 614402.

Allele frequency attached by ClinVar (database versions not stated): gnomAD 0.00106 and 0.00104; 1000 Genomes Project 30x 0.00031; 1000 Genomes Project 0.00020; gnomAD exomes 0.00174 and 0.00201; TOPMed 0.00105.
gnomAD v4.1: 1,974 of 1,052,500 alleles (0.19%); highest among the groups gnomAD compares: South Asian, 0.29%; 3 homozygotes.

Submissions (2):

Labcorp Genetics (formerly Invitae), Labcorp
Classification: Likely benign for Microphthalmia, syndromic 11. Last evaluated: 2025-02-14. Review status: criteria provided, single submitter. Criteria: Invitae Variant Classification Sherloc (09022015). Collection method: clinical testing. Allele origin: germline.

PreventionGenetics, part of Exact Sciences
Classification: Likely benign for VAX1-related condition. Last evaluated: 2023-12-14. Review status: no assertion criteria provided. Collection method: clinical testing. Allele origin: germline. Not counted in ClinVar's aggregate classification.
Comment: This variant is classified as likely benign based on ACMG/AMP sequence variant interpretation guidelines (Richards et al. 2015 PMID: 25741868, with internal and published modifications).